The following is an entry in ClinVar:

ClinVar aggregate classification (germline): Benign. Review status: criteria provided, multiple submitters, no conflicts (2 of 4 stars). 14 submissions from 14 submitters: Benign (11). 3 of the submissions do not count toward it. Last evaluated 2026-02-04.

Conditions:
Cardiovascular phenotype. Identifiers: MedGen CN230736.
Cardiomyopathy (CMYO). Also called: Cardiomyopathies. Identifiers: Orphanet 167848, MedGen C0878544, MONDO:0004994, HP:0001638. Inheritance: Various modes of inheritance.
Arrhythmogenic right ventricular dysplasia 9 (ARVD9). Also called: ARRHYTHMOGENIC RIGHT VENTRICULAR DYSPLASIA, FAMILIAL, 9; Arrhythmogenic Right Ventricular Dysplasia/Cardiomyopathy 9. Identifiers: MedGen C1836906, MONDO:0012180, OMIM 609040.

Allele frequency attached by ClinVar (database versions not stated): ExAC 0.03239; gnomAD 0.06208 and 0.06473; gnomAD exomes 0.01710 and 0.02784; TOPMed 0.06848; 1000 Genomes Project 0.07169; ESP Exome Variant Server 0.07227; 1000 Genomes Project 30x 0.07854.
gnomAD v4.1: 34,807 of 1,613,010 alleles (2.2%); highest among the groups gnomAD compares: African/African-American, 19%; 1,691 homozygotes.

Submissions (14):

Labcorp Genetics (formerly Invitae), Labcorp
Classification: Benign for Arrhythmogenic right ventricular dysplasia 9. Last evaluated: 2026-02-04. Review status: criteria provided, single submitter. Criteria: Invitae Variant Classification Sherloc (09022015). Collection method: clinical testing. Allele origin: germline.

Molecular Diagnostic Laboratory for Inherited Cardiovascular Disease, Montreal Heart Institute
Classification: Benign. Last evaluated: 2025-04-09. Review status: criteria provided, single submitter. Criteria: ACMG Guidelines, 2015. Collection method: clinical testing. Allele origin: germline. Affected: no.

Illumina Laboratory Services, Illumina
Classification: Benign for Arrhythmogenic right ventricular dysplasia 9. Last evaluated: 2018-01-13. Review status: criteria provided, single submitter. Criteria: ICSL Variant Classification Criteria 13 December 2019. Collection method: clinical testing. Allele origin: germline.
Comment: This variant was observed in the ICSL laboratory as part of a predisposition screen in an ostensibly healthy population. It had not been previously curated by ICSL or reported in the Human Gene Mutation Database (HGMD: prior to June 1st, 2018), and was therefore a candidate for classification through an automated scoring system. Utilizing variant allele frequency, disease prevalence and penetrance estimates, and inheritance mode, an automated score was calculated to assess if this variant is too frequent to cause the disease. Based on the score and internal cut-off values, a variant classified as benign is not then subjected to further curation. The score for this variant resulted in a classification of benign for this disease.

Clinical Genetics DNA and cytogenetics Diagnostics Lab, Erasmus MC, Erasmus Medical Center
Classification: Benign for Arrhythmogenic right ventricular dysplasia 9. Last evaluated: 2015-09-21. Review status: criteria provided, single submitter. Criteria: ACGS Guidelines, 2013. Collection method: clinical testing. Allele origin: germline. Affected: yes. Study: VKGL Data-share Consensus.

GeneDx
Classification: Benign. Last evaluated: 2015-03-03. Review status: criteria provided, single submitter. Criteria: GeneDx Variant Classification Process June 2021. Collection method: clinical testing. Allele origin: germline. Affected: yes.

Ambry Genetics
Classification: Benign for Cardiovascular phenotype. Last evaluated: 2014-12-08. Review status: criteria provided, single submitter. Criteria: Ambry Variant Classification Scheme 2023. Collection method: clinical testing. Allele origin: germline.

Genome Diagnostics Laboratory, University Medical Center Utrecht
Classification: Benign for Arrhythmogenic right ventricular dysplasia 9. Last evaluated: 2014-10-09. Review status: criteria provided, single submitter. Criteria: ACGS Guidelines, 2013. Collection method: clinical testing. Allele origin: germline. Affected: yes. Study: VKGL Data-share Consensus.

Mayo Clinic Laboratories, Mayo Clinic
Classification: Benign. Last evaluated: 2014-05-08. Review status: criteria provided, single submitter. Criteria: ACMG Guidelines, 2015. Collection method: clinical testing. Allele origin: germline. Observed: 96 variant alleles.

Laboratory for Molecular Medicine, Mass General Brigham Personalized Medicine
Classification: Benign. Last evaluated: 2011-06-03. Review status: criteria provided, single submitter. Criteria: LMM Criteria. Collection method: clinical testing. Allele origin: germline. Observed: 171 variant alleles.
Comment: The 2299+7C>T variant in PKP2 is not expected to have clinical significance beca use it has been reported at a frequency of ~25% in a Black population and at a f requency of ~1% in a White population (dbSNP-rs74072938, Li 2010).

Breakthrough Genomics
Classification: Benign. Review status: criteria provided, single submitter. Criteria: ACMG Guidelines, 2015. Collection method: not provided. Allele origin: germline. Inheritance: Autosomal dominant inheritance. Affected: yes.

PreventionGenetics, part of Exact Sciences
Classification: Benign. Review status: criteria provided, single submitter. Criteria: ACMG Guidelines, 2015. Collection method: clinical testing. Allele origin: germline.

Cohesion Phenomics
Classification: Benign for Cardiomyopathy. Last evaluated: 2022-09-23. Review status: no assertion criteria provided. Criteria: ACMG Guidelines, 2015. Collection method: clinical testing. Allele origin: germline. Affected: yes. Not counted in ClinVar's aggregate classification.

Clinical Genetics, Academic Medical Center
Classification: Benign. Review status: no assertion criteria provided. Collection method: clinical testing. Allele origin: germline. Affected: yes. Study: VKGL Data-share Consensus. Not counted in ClinVar's aggregate classification.

Joint Genome Diagnostic Labs from Nijmegen and Maastricht, Radboudumc and MUMC+
Classification: Benign. Review status: no assertion criteria provided. Collection method: clinical testing. Allele origin: germline. Affected: yes. Study: VKGL Data-share Consensus. Not counted in ClinVar's aggregate classification.

Literature cited by the submitters: PubMed 20890277 (cited by Laboratory for Molecular Medicine, Mass General Brigham Personalized Medicine).

NM_001005242.3(PKP2):c.2167+7C>T

Gene: PKP2 (plakophilin 2; minus strand). Cytogenetic location: 12p11.21.
Variant type: single nucleotide variant.
Coding change: c.2167+7C>T on transcript NM_001005242.3 (MANE Select); 7 bases into the intron after coding-DNA position 2167, C replaced by T.
Molecular consequence: intron variant.
Genome position (GRCh38, 1-based): chr12:32,802,396, G>A on the plus strand (C>T on the coding strand, the complement: PKP2 is on the minus strand). VCF-style: chr12-32802396-G-A. GRCh37 (hg19) VCF-style: chr12-32955330-G-A.
Other names: p.?; c.2167+7C>T (NM_001005242.2); c.2299+7C>T (NM_004572.4).
Identifiers: ClinVar variation 45064 (VCV000045064.32), dbSNP rs74072938, ClinGen allele CA011867.
Genomic context (GRCh38, chr12:32,802,396, plus strand): 5'-GACAACATTTCATTGCATTGTATCTTCAGCATGTACATATTACACATAGATACTTATACC[G>A]ACTCACCAATTTCATTCTGCAGAGAAAGATTCCGGGACAGATTCCTCAGCAGCGAGATGG-3'